The following is an entry in ClinVar:

ClinVar aggregate classification (germline): Uncertain significance (1 of 4 stars; one submission).

Conditions:
Aortic aneurysm, familial thoracic 11, susceptibility to (AAT11). Identifiers: MedGen C4479235, MONDO:0044301, OMIM 617349.

Submission:

Medical Genetics Clinic, University of Catania
Classification: Uncertain significance for Aortic aneurysm, familial thoracic 11, susceptibility to. Last evaluated: 2026-04-29. Review status: criteria provided, single submitter. Criteria: ACMG Guidelines, 2015. Collection method: clinical testing. Allele origin: unknown. Inheritance: Autosomal dominant inheritance. Observed: 1 variant allele, 1 heterozygote.
Comment: The c.423G>C (p.Lys141Asn) variant is located in exon 1 of the FOXE3 gene. In silico prediction tools suggest it may cause a detrimental effect on the structure/acitivity of the protein. The allele frequency of the variant in the gnomAD population database is extremely low (<0.01%). In the light of the above and the clinical features we observed the c.423G>C (p.Lys141Asn) variant in theFOXE3 gene has been classified as a Variant of Uncertain Significance.

NM_012186.3(FOXE3):c.423G>C (p.Lys141Asn)

Genes: FOXE3 (forkhead box E3; plus strand), LINC01389 (long intergenic non-protein coding RNA 1389; minus strand). Cytogenetic location: 1p33.
Variant type: single nucleotide variant.
Coding change: c.423G>C on transcript NM_012186.3 (MANE Select); coding-DNA position 423, G replaced by C.
Protein change: p.Lys141Asn; replaces lysine 141 with asparagine.
Molecular consequence: missense variant.
Genome position (GRCh38, 1-based): chr1:47,416,738, G>C. VCF-style: chr1-47416738-G-C. GRCh37 (hg19) VCF-style: chr1-47882410-G-C.
Other names: p.Lys141Asn; short protein forms K141N.
Identifiers: ClinVar variation 4850544 (VCV004850544.1).
Genomic context (GRCh38, chr1:47,416,738, plus strand): 5'-CAATCTCACGCTCAACGACTGCTTCGTCAAGGTGCCCCGCGAGCCGGGCAACCCGGGCAA[G>C]GGCAACTACTGGACGCTGGACCCCGCGGCCGCAGACATGTTCGACAACGGCAGCTTCCTG-3'
Protein context (NP_036318.1, residues 131-151): KVPREPGNPG[Lys141Asn]GNYWTLDPAA